The following is an entry in ClinVar:

NM_024580.6(EFL1):c.1498A>G (p.Asn500Asp)

Gene: EFL1 (elongation factor like GTPase 1; minus strand). Cytogenetic location: 15q25.2.
Variant type: single nucleotide variant.
Coding change: c.1498A>G on transcript NM_024580.6 (MANE Select); coding-DNA position 1498, A replaced by G.
Protein change: p.Asn500Asp; replaces asparagine 500 with aspartic acid.
Molecular consequence: missense variant. On other transcripts: non-coding transcript variant (1).
Genome position (GRCh38, 1-based): chr15:82,219,765, T>C on the plus strand (A>G on the coding strand, the complement: EFL1 is on the minus strand). VCF-style: chr15-82219765-T-C. GRCh37 (hg19) VCF-style: chr15-82512106-T-C.
Other names: c.1345A>G, p.Asn449Asp (NM_001040610.3); c.709A>G, p.Asn237Asp (NM_001322844.2); c.1498A>G, p.Asn500Asp (NM_001322845.2); short protein forms N237D, N449D, N500D.
Identifiers: ClinVar variation 1914278 (VCV001914278.6), dbSNP rs536265692, ClinGen allele CA7697960.

ClinVar aggregate classification (germline): Uncertain significance. Review status: criteria provided, multiple submitters, no conflicts (2 of 4 stars). 2 submissions from 2 submitters: Uncertain significance (2). Last evaluated 2026-01-23.

Allele frequency attached by ClinVar (database versions not stated): gnomAD exomes below 0.00001; ExAC 0.00001; gnomAD 0.00001; TOPMed 0.00001; 1000 Genomes Project 30x 0.00031; 1000 Genomes Project 0.00040.
gnomAD v4.1: 4 of 1,614,066 alleles (0.00025%); highest among the groups gnomAD compares: Middle Eastern, 0.016%; no homozygotes.

Submissions (2):

Women's Health and Genetics/Laboratory Corporation of America, LabCorp
Classification: Uncertain significance. Last evaluated: 2026-01-23. Review status: criteria provided, single submitter. Criteria: LabCorp Variant Classification Summary - May 2015. Collection method: clinical testing. Allele origin: germline.

Labcorp Genetics (formerly Invitae), Labcorp
Classification: Uncertain significance. Last evaluated: 2024-09-12. Review status: criteria provided, single submitter. Criteria: Invitae Variant Classification Sherloc (09022015). Collection method: clinical testing. Allele origin: germline.
Comment: This sequence change replaces asparagine, which is neutral and polar, with aspartic acid, which is acidic and polar, at codon 500 of the EFL1 protein (p.Asn500Asp). This variant is present in population databases (rs536265692, gnomAD 0.007%). This variant has not been reported in the literature in individuals affected with EFL1-related conditions. ClinVar contains an entry for this variant (Variation ID: 1914278). Invitae Evidence Modeling of protein sequence and biophysical properties (such as structural, functional, and spatial information, amino acid conservation, physicochemical variation, residue mobility, and thermodynamic stability) indicates that this missense variant is not expected to disrupt EFL1 protein function with a negative predictive value of 80%. In summary, the available evidence is currently insufficient to determine the role of this variant in disease. Therefore, it has been classified as a Variant of Uncertain Significance.